The following is an entry in ClinVar:

ClinVar aggregate classification (germline): Uncertain significance (0 of 4 stars; one submission).

Conditions:
SYNCRIP-related disorder. Also called: SYNCRIP-related condition.

gnomAD v4.1: 1 of 1,613,968 alleles (0.000062%); highest among the groups gnomAD compares: African/African-American, 0.0013%; no homozygotes.

Submission:

PreventionGenetics, part of Exact Sciences
Classification: Uncertain significance for SYNCRIP-related condition. Last evaluated: 2024-09-28. Review status: no assertion criteria provided. Collection method: clinical testing. Allele origin: germline.
Comment: The SYNCRIP c.1567T>C variant is predicted to result in the amino acid substitution p.Tyr523His. To our knowledge, this variant has not been reported in the literature or in a large population database, indicating this variant is rare. At this time, the clinical significance of this variant is uncertain due to the absence of conclusive functional and genetic evidence.

NM_006372.5(SYNCRIP):c.1567T>C (p.Tyr523His)

Gene: SYNCRIP (synaptotagmin binding cytoplasmic RNA interacting protein; minus strand). Cytogenetic location: 6q14.3.
Variant type: single nucleotide variant.
Coding change: c.1567T>C on transcript NM_006372.5 (MANE Select); coding-DNA position 1567, T replaced by C.
Protein change: p.Tyr523His; replaces tyrosine 523 with histidine.
Molecular consequence: missense variant.
Genome position (GRCh38, 1-based): chr6:85,615,061, A>G on the plus strand (T>C on the coding strand, the complement: SYNCRIP is on the minus strand). VCF-style: chr6-85615061-A-G. GRCh37 (hg19) VCF-style: chr6-86324779-A-G.
Other names: c.1273T>C, p.Tyr425His (NM_001159673.2, NM_001410938.1); c.1462T>C, p.Tyr488His (NM_001159674.2, NM_001159675.2); c.1567T>C, p.Tyr523His (NM_001159676.2, NM_001159677.2); c.1111T>C, p.Tyr371His (NM_001253771.2); short protein forms Y371H, Y425H, Y488H, Y523H.
Identifiers: ClinVar variation 3353793 (VCV003353793.1).
Genomic context (GRCh38, chr6:85,615,061, plus strand): 5'-GGGCACCTCCTCTCGCACCTCGAACGCCTCTTGCTGATCCAGGACCTCCTCTCTGTGAAT[A>G]ACCGGCTCTACCGCGGGGAGGAGCAGCCCCACGACCTCTGGATGGAGCAGCACCCCTTGC-3'
Protein context (NP_006363.4, residues 513-533): GAAPPRGRAG[Tyr523His]SQRGGPGSAR